The following is an entry in ClinVar:

ClinVar aggregate classification (germline): Uncertain significance. Review status: criteria provided, multiple submitters, no conflicts (2 of 4 stars). 2 submissions from 2 submitters: Uncertain significance (2). Last evaluated 2026-09-21.

Conditions:
Cardiovascular phenotype. Identifiers: MedGen CN230736.
Distal myopathy with posterior leg and anterior hand involvement. Also called: WILLIAMS DISTAL MYOPATHY. Identifiers: Orphanet 63273, MedGen C3279722, MONDO:0013550, OMIM 614065.
Hypertrophic cardiomyopathy 26. Also called: Cardiomyopathy, familial hypertrophic, 26. Identifiers: Orphanet 75249, MedGen C4310749, MONDO:0014883, OMIM 617047.
Myofibrillar myopathy 5. Also called: Filaminopathy (type); FILAMINOPATHY, AUTOSOMAL DOMINANT. Identifiers: Orphanet 171445, MedGen C1836050, MONDO:0012289, OMIM 609524.

Allele frequency attached by ClinVar (database versions not stated): gnomAD exomes 0.00001; TOPMed below 0.00001; ExAC 0.00002.
gnomAD v4.1: 2 of 1,613,960 alleles (0.00012%); highest among the groups gnomAD compares: Non-Finnish European, 0.00017%; no homozygotes.

Submissions (2):

Molecular Diagnostic Laboratory for Inherited Cardiovascular Disease, Montreal Heart Institute
Classification: Uncertain significance for Cardiovascular phenotype. Last evaluated: 2026-09-21. Review status: criteria provided, single submitter. Criteria: ACMG Guidelines, 2015. Collection method: clinical testing. Allele origin: germline. Affected: yes.
Comment: PM2

Labcorp Genetics (formerly Invitae), Labcorp
Classification: Uncertain significance for Distal myopathy with posterior leg and anterior hand involvement; Myofibrillar myopathy 5; Hypertrophic cardiomyopathy 26. Last evaluated: 2019-02-23. Review status: criteria provided, single submitter. Criteria: Invitae Variant Classification Sherloc (09022015). Collection method: clinical testing. Allele origin: germline.
Comment: Algorithms developed to predict the effect of missense changes on protein structure and function do not agree on the potential impact of this missense change (SIFT: "Tolerated"; PolyPhen-2: "Possibly Damaging"; Align-GVGD: "Class C0"). In summary, the available evidence is currently insufficient to determine the role of this variant in disease. Therefore, it has been classified as a Variant of Uncertain Significance. This variant has not been reported in the literature in individuals with FLNC-related disease. This variant is present in population databases (rs766330686, ExAC 0.003%). This sequence change replaces arginine with glycine at codon 1313 of the FLNC protein (p.Arg1313Gly). The arginine residue is moderately conserved and there is a moderate physicochemical difference between arginine and glycine.

NM_001458.5(FLNC):c.3937C>G (p.Arg1313Gly)

Gene: FLNC (filamin C; plus strand). Cytogenetic location: 7q32.1.
Variant type: single nucleotide variant.
Coding change: c.3937C>G on transcript NM_001458.5 (MANE Select); coding-DNA position 3937, C replaced by G.
Protein change: p.Arg1313Gly; replaces arginine 1313 with glycine.
Molecular consequence: missense variant.
Genome position (GRCh38, 1-based): chr7:128,846,136, C>G. VCF-style: chr7-128846136-C-G. GRCh37 (hg19) VCF-style: chr7-128486190-C-G.
Other names: c.3937C>G, p.Arg1313Gly (NM_001127487.2); short protein forms R1313G.
Identifiers: ClinVar variation 580241 (VCV000580241.12), dbSNP rs766330686, ClinGen allele CA4475179.